The following is an entry in ClinVar:

NM_016239.4(MYO15A):c.9196del (p.Ser3066fs)

Gene: MYO15A (myosin XVA; plus strand). Cytogenetic location: 17p11.2.
Variant type: Deletion.
Coding change: c.9196del on transcript NM_016239.4 (MANE Select); coding-DNA position 9196, one base deleted (A; older notation c.9196delA).
Protein change: p.Ser3066fs; shifts the reading frame from serine 3066.
Molecular consequence: frameshift variant.
Genome position (GRCh38, 1-based): chr17:18,159,314, A deleted. VCF-style (leftmost placement, unchanged base first): chr17-18159313-CA-C. GRCh37 (hg19) VCF-style: chr17-18062627-CA-C.
Other names: short protein forms S3066fs.
Identifiers: ClinVar variation 3601414 (VCV003601414.1).

ClinVar aggregate classification (germline): Likely pathogenic (1 of 4 stars; one submission).

Conditions:
Autosomal recessive nonsyndromic hearing loss 3. Also called: NEUROSENSORY NONSYNDROMIC RECESSIVE DEAFNESS 3. Identifiers: Orphanet 90636, MedGen C1838263, MONDO:0010860, OMIM 600316.

Submission:

Institute of Rare Diseases, West China Hospital, Sichuan University
Classification: Likely pathogenic for Autosomal recessive nonsyndromic hearing loss 3. Last evaluated: 2025-01-09. Review status: criteria provided, single submitter. Criteria: ClinGen HL ACMG Specifications v1. Collection method: research. Allele origin: germline. Affected: yes.
Comment: PVS1;PM2_Supporting